The following is an entry in ClinVar:

NM_203447.4(DOCK8):c.1970A>G (p.Lys657Arg)

Gene: DOCK8 (dedicator of cytokinesis 8; plus strand). Cytogenetic location: 9p24.3.
Variant type: single nucleotide variant.
Coding change: c.1970A>G on transcript NM_203447.4 (MANE Select); coding-DNA position 1970, A replaced by G.
Protein change: p.Lys657Arg; replaces lysine 657 with arginine.
Molecular consequence: missense variant.
Genome position (GRCh38, 1-based): chr9:371,529, A>G. VCF-style: chr9-371529-A-G. GRCh37 (hg19) VCF-style: chr9-371529-A-G.
Other names: c.1766A>G, p.Lys589Arg (NM_001190458.2, NM_001193536.2); short protein forms K657R, K589R.
Identifiers: ClinVar variation 913615 (VCV000913615.5), dbSNP rs2053285384, ClinGen allele CA372761564.
Genomic context (GRCh38, chr9:371,529, plus strand): 5'-CTAAGCTCACAGTAAATCACCACCTCCTGTTCACCTTCTACCATATCAGCTGTCAGCAGA[A>G]GCAAGGAGCCTCCGTGGAAACTCTCCTGGGATATTCAGTGAGTTGTTTCCAGCCTGCTGA-3'
Protein context (NP_982272.2, residues 647-667): FTFYHISCQQ[Lys657Arg]QGASVETLLG

ClinVar aggregate classification (germline): Uncertain significance. Review status: criteria provided, multiple submitters, no conflicts (2 of 4 stars). 2 submissions from 2 submitters: Uncertain significance (2). Last evaluated 2025-09-11.

Conditions:
Combined immunodeficiency due to DOCK8 deficiency (HIES2). Also called: HIES autosomal recessive; Hyper-IgE recurrent infection syndrome, autosomal recessive; HYPER-IgE SYNDROME 2, AUTOSOMAL RECESSIVE, WITH RECURRENT INFECTIONS; DOCK8 Deficiency; HYPER-IgE RECURRENT INFECTION SYNDROME 2, AUTOSOMAL RECESSIVE. Identifiers: Orphanet 217390, MedGen C4722305, MONDO:0009478, OMIM 243700.

Allele frequency attached by ClinVar (database versions not stated): gnomAD exomes below 0.00001.
gnomAD v4.1: 5 of 1,614,226 alleles (0.00031%); highest among the groups gnomAD compares: Non-Finnish European, 0.00042%; no homozygotes.

Submissions (2):

Labcorp Genetics (formerly Invitae), Labcorp
Classification: Uncertain significance for Combined immunodeficiency due to DOCK8 deficiency. Last evaluated: 2025-09-11. Review status: criteria provided, single submitter. Criteria: Invitae Variant Classification Sherloc (09022015). Collection method: clinical testing. Allele origin: germline.
Comment: This sequence change replaces lysine, which is basic and polar, with arginine, which is basic and polar, at codon 657 of the DOCK8 protein (p.Lys657Arg). This variant is not present in population databases (gnomAD no frequency). This variant has not been reported in the literature in individuals affected with DOCK8-related conditions. ClinVar contains an entry for this variant (Variation ID: 913615). Invitae Evidence Modeling of protein sequence and biophysical properties (such as structural, functional, and spatial information, amino acid conservation, physicochemical variation, residue mobility, and thermodynamic stability) indicates that this missense variant is not expected to disrupt DOCK8 protein function with a negative predictive value of 80%. In summary, the available evidence is currently insufficient to determine the role of this variant in disease. Therefore, it has been classified as a Variant of Uncertain Significance.

Illumina Laboratory Services, Illumina
Classification: Uncertain significance for Combined immunodeficiency due to DOCK8 deficiency. Last evaluated: 2018-01-13. Review status: criteria provided, single submitter. Criteria: ICSL Variant Classification Criteria 13 December 2019. Collection method: clinical testing. Allele origin: germline.